The following is an entry in ClinVar:

NM_016599.5(MYOZ2):c.583T>A (p.Phe195Ile)

Gene: MYOZ2 (myozenin 2; plus strand). Cytogenetic location: 4q26.
Variant type: single nucleotide variant.
Coding change: c.583T>A on transcript NM_016599.5 (MANE Select); coding-DNA position 583, T replaced by A.
Protein change: p.Phe195Ile; replaces phenylalanine 195 with isoleucine.
Molecular consequence: missense variant.
Genome position (GRCh38, 1-based): chr4:119,185,988, T>A. VCF-style: chr4-119185988-T-A. GRCh37 (hg19) VCF-style: chr4-120107143-T-A.
Other names: short protein forms F195I.
Identifiers: ClinVar variation 915493 (VCV000915493.13), dbSNP rs554299359, ClinGen allele CA3058684.
Genomic context (GRCh38, chr4:119,185,988, plus strand): 5'-TATTAATTGAGATCTGTTTTTTTTTTAATTTCCCACAGGGTTGCCACACCATTTGGAGGT[T>A]TTGAAAAAGCATCAAGAATGGTTAAATTTAAAGTTCCAGATTTTGAGCTACTATTGCTAA-3'
Protein context (NP_057683.1, residues 185-205): FNRVATPFGG[Phe195Ile]EKASRMVKFK

ClinVar aggregate classification (germline): Conflicting classifications of pathogenicity. Review status: criteria provided, conflicting classifications (1 of 4 stars). 4 submissions from 4 submitters: Uncertain significance (3); Likely benign (1). Last evaluated 2025-12-31.

Conditions:
Cardiovascular phenotype. Identifiers: MedGen CN230736.
Cardiomyopathy (CMYO). Also called: Cardiomyopathies. Identifiers: Orphanet 167848, MedGen C0878544, MONDO:0004994, HP:0001638. Inheritance: Various modes of inheritance.
Hypertrophic cardiomyopathy. Also called: HYPERTROPHIC MYOCARDIOPATHY. Identifiers: Orphanet 217569, MedGen C0007194, MeSH D002312, MONDO:0005045, HP:0001639.

Allele frequency attached by ClinVar (database versions not stated): 1000 Genomes Project 30x 0.00016; TOPMed 0.00009; gnomAD 0.00012 and 0.00013; 1000 Genomes Project 0.00020.
gnomAD v4.1: 27 of 1,613,898 alleles (0.0017%); highest among the groups gnomAD compares: African/African-American, 0.033%; no homozygotes.

Submissions (4):

Labcorp Genetics (formerly Invitae), Labcorp
Classification: Uncertain significance for Hypertrophic cardiomyopathy. Last evaluated: 2025-12-31. Review status: criteria provided, single submitter. Criteria: Invitae Variant Classification Sherloc (09022015). Collection method: clinical testing. Allele origin: germline.
Comment: This sequence change replaces phenylalanine, which is neutral and non-polar, with isoleucine, which is neutral and non-polar, at codon 195 of the MYOZ2 protein (p.Phe195Ile). This variant is present in population databases (rs554299359, gnomAD 0.03%). This variant has not been reported in the literature in individuals affected with MYOZ2-related conditions. ClinVar contains an entry for this variant (Variation ID: 915493). Invitae Evidence Modeling of protein sequence and biophysical properties (such as structural, functional, and spatial information, amino acid conservation, physicochemical variation, residue mobility, and thermodynamic stability) indicates that this missense variant is expected to disrupt MYOZ2 protein function with a positive predictive value of 80%. Algorithms developed to predict the effect of sequence changes on RNA splicing suggest that this variant may create or strengthen a splice site. In summary, the available evidence is currently insufficient to determine the role of this variant in disease. Therefore, it has been classified as a Variant of Uncertain Significance.

Ambry Genetics
Classification: Uncertain significance for Cardiovascular phenotype. Last evaluated: 2025-09-26. Review status: criteria provided, single submitter. Criteria: Ambry Variant Classification Scheme 2023. Collection method: clinical testing. Allele origin: germline.

Dasa
Classification: Uncertain significance. Last evaluated: 2025-07-15. Review status: criteria provided, single submitter. Criteria: DASA Assertion Criteria. Collection method: clinical testing. Allele origin: germline.
Comment: NM_016599.5(MYOZ2):c.583T>A (p.Phe195Ile) is a missense variant that results in the substitution of phenylalanine with isoleucine. This variant is rare in population databases. The currently available literature and clinical evidence are not sufficient to establish a definitive association between this variant and the reported condition. Therefore, this variant is classified as a variant of uncertain significance.

CHEO Genetics Diagnostic Laboratory, Children's Hospital of Eastern Ontario
Classification: Likely benign for Cardiomyopathy. Last evaluated: 2018-07-06. Review status: criteria provided, single submitter. Criteria: ACMG Guidelines, 2015. Collection method: clinical testing. Allele origin: germline.